The following is an entry in ClinVar:

NM_000574.5(CD55):c.418T>C (p.Ser140Pro)

Gene: CD55 (CD55 molecule (Cromer blood group); plus strand). Cytogenetic location: 1q32.2.
Variant type: single nucleotide variant.
Coding change: c.418T>C on transcript NM_000574.5 (MANE Select); coding-DNA position 418, T replaced by C.
Protein change: p.Ser140Pro; replaces serine 140 with proline.
Molecular consequence: missense variant. On other transcripts: non-coding transcript variant (1).
Genome position (GRCh38, 1-based): chr1:207,324,690, T>C. VCF-style: chr1-207324690-T-C. GRCh37 (hg19) VCF-style: chr1-207498035-T-C.
Other names: c.418T>C, p.Ser140Pro (NM_001114752.3, NM_001300902.2, NM_001300903.2 and 1 more transcripts); short protein forms S140P.
Identifiers: ClinVar variation 1372107 (VCV001372107.5), dbSNP rs775681350, ClinGen allele CA344516522.

ClinVar aggregate classification (germline): Uncertain significance (1 of 4 stars; one submission).

Allele frequency attached by ClinVar (database versions not stated): gnomAD 0.00001.
gnomAD v4.1: 1 of 1,613,410 alleles (0.000062%); highest among the groups gnomAD compares: Non-Finnish European, 0.000085%; no homozygotes.

Submission:

Labcorp Genetics (formerly Invitae), Labcorp
Classification: Uncertain significance. Last evaluated: 2022-07-06. Review status: criteria provided, single submitter. Criteria: Invitae Variant Classification Sherloc (09022015). Collection method: clinical testing. Allele origin: germline.
Comment: This sequence change replaces serine, which is neutral and polar, with proline, which is neutral and non-polar, at codon 140 of the CD55 protein (p.Ser140Pro). This variant is not present in population databases (gnomAD no frequency). This variant has not been reported in the literature in individuals affected with CD55-related conditions. ClinVar contains an entry for this variant (Variation ID: 1372107). Algorithms developed to predict the effect of missense changes on protein structure and function output the following: SIFT: "Tolerated"; PolyPhen-2: "Possibly Damaging"; Align-GVGD: "Class C0". The proline amino acid residue is found in multiple mammalian species, which suggests that this missense change does not adversely affect protein function. In summary, the available evidence is currently insufficient to determine the role of this variant in disease. Therefore, it has been classified as a Variant of Uncertain Significance.